The following is an entry in ClinVar:

NM_032043.3(BRIP1):c.1935+6T>A

Gene: BRIP1 (BRCA1 interacting DNA helicase 1; minus strand). Cytogenetic location: 17q23.2.
Variant type: single nucleotide variant.
Coding change: c.1935+6T>A on transcript NM_032043.3 (MANE Select); 6 bases into the intron after coding-DNA position 1935, T replaced by A.
Molecular consequence: intron variant.
Genome position (GRCh38, 1-based): chr17:61,780,255, A>T on the plus strand (T>A on the coding strand, the complement: BRIP1 is on the minus strand). VCF-style: chr17-61780255-A-T. GRCh37 (hg19) VCF-style: chr17-59857616-A-T.
Identifiers: ClinVar variation 919254 (VCV000919254.3), dbSNP rs1555602118, ClinGen allele CA1139665778.

ClinVar aggregate classification (germline): Uncertain significance (1 of 4 stars; one submission).

Conditions:
Hereditary cancer-predisposing syndrome. Also called: Neoplastic Syndromes, Hereditary; Tumor predisposition; Hereditary Cancer Syndrome; Hereditary neoplastic syndrome. Identifiers: Orphanet 140162, MedGen C0027672, MeSH D009386, MONDO:0015356.

Submission:

Color Diagnostics, LLC DBA Color Health
Classification: Uncertain significance for Hereditary cancer-predisposing syndrome. Last evaluated: 2020-01-23. Review status: criteria provided, single submitter. Criteria: ACMG Guidelines, 2015. Collection method: clinical testing. Allele origin: germline.
Comment: This variant causes a T>A nucleotide substitution at the +6 position of intron 13 of the BRIP1 gene. To our knowledge, functional studies have not been performed for this variant. This variant has not been reported in individuals affected with hereditary cancer in the literature. This variant has not been identified in the general population by the Genome Aggregation Database (gnomAD). The available evidence is insufficient to determine the role of this variant in disease conclusively. Therefore, this variant is classified as a Variant of Uncertain Significance.